The following is an entry in ClinVar:

NM_001164508.2(NEB):c.22341G>C (p.Lys7447Asn)

Genes: NEB (nebulin; minus strand), RIF1 (replication timing regulatory factor 1; plus strand). Cytogenetic location: 2q23.3.
Variant type: single nucleotide variant.
Coding change: c.22341G>C on transcript NM_001164508.2 (MANE Select); coding-DNA position 22341, G replaced by C.
Protein change: p.Lys7447Asn; replaces lysine 7447 with asparagine.
Molecular consequence: missense variant.
Genome position (GRCh38, 1-based): chr2:151,524,548, C>G on the plus strand (G>C on the coding strand, the complement: NEB is on the minus strand). VCF-style: chr2-151524548-C-G. GRCh37 (hg19) VCF-style: chr2-152381062-C-G.
Other names: c.22341G>C, p.Lys7447Asn (NM_001164507.2); c.22446G>C, p.Lys7482Asn (NM_001271208.2); c.17238G>C, p.Lys5746Asn (NM_004543.5); short protein forms K5746N, K7447N, K7482N.
Identifiers: ClinVar variation 1306866 (VCV001306866.8), dbSNP rs544200886, ClinGen allele CA1906679.

ClinVar aggregate classification (germline): Conflicting classifications of pathogenicity. Review status: criteria provided, conflicting classifications (1 of 4 stars). 3 submissions from 3 submitters: Uncertain significance (2); Benign (1). Last evaluated 2024-11-12.

Conditions:
Nemaline myopathy 2 (NEM2). Also called: Nemaline myopathy 2, autosomal recessive. Identifiers: MedGen C1850569, MONDO:0009725, OMIM 256030.

Allele frequency attached by ClinVar (database versions not stated): TOPMed below 0.00001; gnomAD 0.00001; gnomAD exomes 0.00004 and 0.00008; ExAC 0.00009; 1000 Genomes Project 30x 0.00016; 1000 Genomes Project 0.00020.
gnomAD v4.1: 63 of 1,599,212 alleles (0.0039%); highest among the groups gnomAD compares: South Asian, 0.065%; no homozygotes.

Submissions (3):

Labcorp Genetics (formerly Invitae), Labcorp
Classification: Benign for Nemaline myopathy 2. Last evaluated: 2024-11-12. Review status: criteria provided, single submitter. Criteria: Invitae Variant Classification Sherloc (09022015). Collection method: clinical testing. Allele origin: germline.

Revvity Omics, Revvity
Classification: Uncertain significance. Last evaluated: 2022-10-27. Review status: criteria provided, single submitter. Criteria: ACMG Guidelines, 2015. Collection method: clinical testing. Allele origin: germline.

GeneDx
Classification: Uncertain significance. Last evaluated: 2019-07-10. Review status: criteria provided, single submitter. Criteria: GeneDx Variant Classification Process June 2021. Collection method: clinical testing. Allele origin: germline. Affected: yes.
Comment: In silico analysis, which includes protein predictors and evolutionary conservation, supports a deleterious effect; Has not been previously published as pathogenic or benign to our knowledge